The following is an entry in ClinVar:

ClinVar aggregate classification (germline): Uncertain significance (1 of 4 stars; one submission).

Conditions:
Immunodeficiency, common variable, 7. Identifiers: Orphanet 1572, Orphanet 696894, MedGen C3542922, MONDO:0013862, OMIM 614699.

Allele frequency attached by ClinVar (database versions not stated): gnomAD exomes 0.00002 and 0.00003; ExAC 0.00002; 1000 Genomes Project 30x 0.00062; gnomAD 0.00001 and 0.00002; TOPMed 0.00002; 1000 Genomes Project 0.00020.
gnomAD v4.1: 45 of 1,613,886 alleles (0.0028%); highest among the groups gnomAD compares: Non-Finnish European, 0.0037%; no homozygotes.

Submission:

Labcorp Genetics (formerly Invitae), Labcorp
Classification: Uncertain significance for Immunodeficiency, common variable, 7. Last evaluated: 2022-11-01. Review status: criteria provided, single submitter. Criteria: Invitae Variant Classification Sherloc (09022015). Collection method: clinical testing. Allele origin: germline.
Comment: This sequence change falls in intron 7 of the CR2 gene. It does not directly change the encoded amino acid sequence of the CR2 protein. It affects a nucleotide within the consensus splice site. This variant is present in population databases (rs41274754, gnomAD 0.004%). This variant has not been reported in the literature in individuals affected with CR2-related conditions. ClinVar contains an entry for this variant (Variation ID: 967153). Variants that disrupt the consensus splice site are a relatively common cause of aberrant splicing (PMID: 17576681, 9536098). Algorithms developed to predict the effect of sequence changes on RNA splicing suggest that this variant is not likely to affect RNA splicing. In summary, the available evidence is currently insufficient to determine the role of this variant in disease. Therefore, it has been classified as a Variant of Uncertain Significance.

Literature cited by the submitters: PubMed 17576681; PubMed 9536098.

NM_001006658.3(CR2):c.1402+6A>G

Gene: CR2 (complement C3d receptor 2; plus strand). Cytogenetic location: 1q32.2.
Variant type: single nucleotide variant.
Coding change: c.1402+6A>G on transcript NM_001006658.3 (MANE Select); 6 bases into the intron after coding-DNA position 1402, A replaced by G.
Molecular consequence: intron variant.
Genome position (GRCh38, 1-based): chr1:207,470,922, A>G. VCF-style: chr1-207470922-A-G. GRCh37 (hg19) VCF-style: chr1-207644267-A-G.
Other names: c.1402+6A>G (NM_001877.5).
Identifiers: ClinVar variation 967153 (VCV000967153.5), dbSNP rs41274754, ClinGen allele CA1368702.